The following is an entry in ClinVar:

NM_198834.3(ACACA):c.6275-16G>T

Gene: ACACA (acetyl-CoA carboxylase alpha; minus strand). Cytogenetic location: 17q12.
Variant type: single nucleotide variant.
Coding change: c.6275-16G>T on transcript NM_198834.3 (MANE Select); 16 bases into the intron before coding-DNA position 6275, G replaced by T.
Molecular consequence: intron variant.
Genome position (GRCh38, 1-based): chr17:37,113,281, C>A on the plus strand (G>T on the coding strand, the complement: ACACA is on the minus strand). VCF-style: chr17-37113281-C-A. GRCh37 (hg19) VCF-style: chr17-35470216-C-A.
Other names: c.6164-16G>T (NM_198839.3, NM_198836.3); c.5990-16G>T (NM_198837.2); c.5930-16G>T (NM_198838.2).
Identifiers: ClinVar variation 2961433 (VCV002961433.4), dbSNP rs369244050, ClinGen allele CA8514658.

ClinVar aggregate classification (germline): Likely benign. Review status: criteria provided, multiple submitters, no conflicts (2 of 4 stars). 2 submissions from 2 submitters: Likely benign (2). Last evaluated 2025-10-28.

Allele frequency attached by ClinVar (database versions not stated): TOPMed 0.00015; ESP Exome Variant Server 0.00038; ExAC 0.00023; gnomAD 0.00011.
gnomAD v4.1: 246 of 1,613,460 alleles (0.015%); highest among the groups gnomAD compares: Middle Eastern, 0.083%; 1 homozygote.

Submissions (2):

Labcorp Genetics (formerly Invitae), Labcorp
Classification: Likely benign. Last evaluated: 2025-10-28. Review status: criteria provided, single submitter. Criteria: Invitae Variant Classification Sherloc (09022015). Collection method: clinical testing. Allele origin: germline.

Women's Health and Genetics/Laboratory Corporation of America, LabCorp
Classification: Likely benign. Last evaluated: 2024-04-04. Review status: criteria provided, single submitter. Criteria: LabCorp Variant Classification Summary - May 2015. Collection method: clinical testing. Allele origin: germline.
Comment: Variant summary: ACACA c.6164-16G>T alters a non-conserved nucleotide located at a position not widely known to affect splicing. Consensus agreement among computation tools predict no significant impact on normal splicing. However, these predictions have yet to be confirmed by functional studies. The variant allele was found at a frequency of 0.00018 in 250412 control chromosomes (gnomAD). To our knowledge, no occurrence of c.6164-16G>T in individuals affected with Acetyl-CoA: Carboxylase Deficiency and no experimental evidence demonstrating its impact on protein function have been reported. ClinVar contains an entry for this variant (Variation ID: 2961433). Based on the evidence outlined above, the variant was classified as likely benign.